The following is an entry in ClinVar:

NC_000006.11:g.(?_66417023)_(66417118_?)dup

Gene: EYS (eyes shut homolog; minus strand). Cytogenetic location: 6q12.
Variant type: Duplication.
Identifiers: ClinVar variation 1410265 (VCV001410265.3).

ClinVar aggregate classification (germline): Uncertain significance (1 of 4 stars; one submission).

Submission:

Labcorp Genetics (formerly Invitae), Labcorp
Classification: Uncertain significance. Last evaluated: 2020-11-15. Review status: criteria provided, single submitter. Criteria: Invitae Variant Classification Sherloc (09022015). Collection method: clinical testing. Allele origin: germline.
Comment: This variant occurs in a non-coding region of the EYS gene. It does not change the encoded amino acid sequence of the EYS protein. This variant has not been reported in the literature in individuals with EYS-related conditions. Experimental studies and prediction algorithms are not available or were not evaluated, and the functional significance of this variant is currently unknown. In summary, the available evidence is currently insufficient to determine the role of this variant in disease. Therefore, it has been classified as a Variant of Uncertain Significance.